The following is an entry in ClinVar:

NM_022575.4(VPS16):c.1072-22G>A

Gene: VPS16 (VPS16 core subunit of CORVET and HOPS complexes; plus strand). Cytogenetic location: 20p13.
Variant type: single nucleotide variant.
Coding change: c.1072-22G>A on transcript NM_022575.4 (MANE Select); 22 bases into the intron before coding-DNA position 1072, G replaced by A.
Molecular consequence: intron variant.
Genome position (GRCh38, 1-based): chr20:2,862,557, G>A. VCF-style: chr20-2862557-G-A. GRCh37 (hg19) VCF-style: chr20-2843203-G-A.
Other names: c.900-508G>A (NM_080413.3).
Identifiers: ClinVar variation 4866435 (VCV004866435.1).

ClinVar aggregate classification (germline): Uncertain significance (1 of 4 stars; one submission).

Conditions:
Inborn genetic diseases. Identifiers: MedGen C0950123, MeSH D030342.

gnomAD v4.1: 2 of 1,610,114 alleles (0.00012%); highest among the groups gnomAD compares: Non-Finnish European, 0.00017%; no homozygotes.

Submission:

Ambry Genetics
Classification: Uncertain significance for Inborn genetic diseases. Last evaluated: 2026-06-10. Review status: criteria provided, single submitter. Criteria: Ambry Variant Classification Scheme 2023. Collection method: clinical testing. Allele origin: germline.
Comment: The c.1072-22G>A intronic variant consists of a G to A substitution 22 nucleotides before exon 12 (coding exon 12) of the VPS16 gene. This variant was not reported in population-based cohorts in the Genome Aggregation Database (gnomAD). This nucleotide position is poorly conserved in available vertebrate species. In silico splice site analysis predicts that this alteration may result in the creation or strengthening of a novel splice acceptor site. Based on insufficient or conflicting evidence, the clinical significance of this alteration remains unclear.